The following is an entry in ClinVar:

ClinVar aggregate classification (germline): Uncertain significance (1 of 4 stars; one submission).

Conditions:
Inborn genetic diseases. Identifiers: MedGen C0950123, MeSH D030342.

Submission:

Ambry Genetics
Classification: Uncertain significance for Inborn genetic diseases. Last evaluated: 2026-04-26. Review status: criteria provided, single submitter. Criteria: Ambry Variant Classification Scheme 2023. Collection method: clinical testing. Allele origin: germline.
Comment: The p.P503L variant (also known as c.1508C>T), located in coding exon 8 of the MECOM gene, results from a C to T substitution at nucleotide position 1508. The proline at codon 503 is replaced by leucine, an amino acid with similar properties. This amino acid position is conserved. In addition, the in silico prediction for this alteration is inconclusive. Based on the available evidence, the clinical significance of this variant remains unclear.

NM_004991.4(MECOM):c.1508C>T (p.Pro503Leu)

Gene: MECOM (MDS1 and EVI1 complex locus; minus strand). Cytogenetic location: 3q26.2.
Variant type: single nucleotide variant.
Coding change: c.1508C>T on transcript NM_004991.4 (MANE Select); coding-DNA position 1508, C replaced by T.
Protein change: p.Pro503Leu; replaces proline 503 with leucine.
Molecular consequence: missense variant. On other transcripts: intron variant (2).
Genome position (GRCh38, 1-based): chr3:169,116,364, G>A on the plus strand (C>T on the coding strand, the complement: MECOM is on the minus strand). VCF-style: chr3-169116364-G-A. GRCh37 (hg19) VCF-style: chr3-168834152-G-A.
Other names: c.1139C>T, p.Pro380Leu (NM_001105077.4); c.944C>T, p.Pro315Leu (NM_001105078.4, NM_001164000.2, NM_001205194.2 and 4 more transcripts); c.947C>T, p.Pro316Leu (NM_001163999.2, NM_001366467.2, NM_001366468.2 and 1 more transcripts); c.1508C>T, p.Pro503Leu (NM_001366466.2); c.1133-597C>T (NM_001366473.2); c.569-597C>T (NM_001366474.2); short protein forms P315L, P316L, P380L, P503L.
Identifiers: ClinVar variation 4859759 (VCV004859759.1).